The following is an entry in ClinVar:

NM_133433.4(NIPBL):c.7973G>C (p.Ser2658Thr)

Gene: NIPBL (NIPBL cohesin loading factor; plus strand). Cytogenetic location: 5p13.2.
Variant type: single nucleotide variant.
Coding change: c.7973G>C on transcript NM_133433.4 (MANE Select); coding-DNA position 7973, G replaced by C.
Protein change: p.Ser2658Thr; replaces serine 2658 with threonine.
Molecular consequence: missense variant.
Genome position (GRCh38, 1-based): chr5:37,063,902, G>C. VCF-style: chr5-37063902-G-C. GRCh37 (hg19) VCF-style: chr5-37064004-G-C.
Other names: c.7973G>C, p.Ser2658Thr (NM_015384.5); short protein forms S2658T.
Identifiers: ClinVar variation 3233715 (VCV003233715.2), dbSNP rs1200048570, ClinGen allele CA359520504.

ClinVar aggregate classification (germline): Uncertain significance (1 of 4 stars; one submission).

Submission:

Women's Health and Genetics/Laboratory Corporation of America, LabCorp
Classification: Uncertain significance. Last evaluated: 2024-03-01. Review status: criteria provided, single submitter. Criteria: LabCorp Variant Classification Summary - May 2015. Collection method: clinical testing. Allele origin: germline.
Comment: Variant summary: NIPBL c.7973G>C (p.Ser2658Thr) results in a conservative amino acid change in the encoded protein sequence. Three of five in-silico tools predict a benign effect of the variant on protein function. The variant was absent in 250864 control chromosomes. The available data on variant occurrences in the general population are insufficient to allow any conclusion about variant significance. To our knowledge, no occurrence of c.7973G>C in individuals affected with Cornelia De Lange Syndrome 1 and no experimental evidence demonstrating its impact on protein function have been reported. No submitters have cited clinical-significance assessments for this variant to ClinVar. Based on the evidence outlined above, the variant was classified as uncertain significance.